The following is an entry in ClinVar:

ClinVar aggregate classification (germline): Pathogenic (1 of 4 stars; one submission).

Submission:

Seattle Children's Hospital Molecular Genetics Laboratory, Seattle Children's Hospital
Classification: Pathogenic. Last evaluated: 2021-11-15. Review status: criteria provided, single submitter. Criteria: ACMG Guidelines, 2015. Collection method: clinical testing. Allele origin: somatic. Affected: yes.
Comment: This variant has not previously been reported with PIK3CA-related segmental overgrowth syndrome (PROS), but has been reported in breast cancer (PMID: 30181556). A similar variant (p.Val448_Leu452del) has been reported by another clinical laboratory (ClinVar Variation ID: 851422), but little clinical information was provided.

NM_006218.4(PIK3CA):c.1342_1354del (p.Pro447_Val448insTer)

Gene: PIK3CA (phosphatidylinositol-4,5-bisphosphate 3-kinase catalytic subunit alpha; plus strand). Cytogenetic location: 3q26.32.
Variant type: Deletion.
Coding change: c.1342_1354del on transcript NM_006218.4 (MANE Select); coding-DNA positions 1342 to 1354, 13 bases deleted (GTACCTCATGGAT).
Protein change: p.Pro447_Val448insTer.
Molecular consequence: nonsense.
Genome position (GRCh38, 1-based): chr3:179,210,276-179,210,288, GTACCTCATGGAT deleted. VCF-style (leftmost placement, unchanged base first): chr3-179210275-AGTACCTCATGGAT-A. GRCh37 (hg19) VCF-style: chr3-178928063-AGTACCTCATGGAT-A.
Identifiers: ClinVar variation 1691324 (VCV001691324.2), dbSNP rs2108400575, ClinGen allele CA2573136772.